The following is an entry in ClinVar:

ClinVar aggregate classification (germline): Uncertain significance. Review status: criteria provided, multiple submitters, no conflicts (2 of 4 stars). 2 submissions from 2 submitters: Uncertain significance (2). Last evaluated 2025-06-22.

Conditions:
Hereditary cancer-predisposing syndrome. Also called: Hereditary Cancer Syndrome; Hereditary neoplastic syndrome; Neoplastic Syndromes, Hereditary; Tumor predisposition. Identifiers: Orphanet 140162, MedGen C0027672, MeSH D009386, MONDO:0015356.

Submissions (2):

Labcorp Genetics (formerly Invitae), Labcorp
Classification: Uncertain significance. Last evaluated: 2025-06-22. Review status: criteria provided, single submitter. Criteria: Invitae Variant Classification Sherloc (09022015). Collection method: clinical testing. Allele origin: germline.
Comment: This sequence change replaces asparagine, which is neutral and polar, with lysine, which is basic and polar, at codon 49 of the CTNNA1 protein (p.Asn49Lys). This variant is not present in population databases (gnomAD no frequency). This variant has not been reported in the literature in individuals affected with CTNNA1-related conditions. ClinVar contains an entry for this variant (Variation ID: 1773546). Invitae Evidence Modeling of protein sequence and biophysical properties (such as structural, functional, and spatial information, amino acid conservation, physicochemical variation, residue mobility, and thermodynamic stability) indicates that this missense variant is not expected to disrupt CTNNA1 protein function with a negative predictive value of 80%. In summary, the available evidence is currently insufficient to determine the role of this variant in disease. Therefore, it has been classified as a Variant of Uncertain Significance.

Ambry Genetics
Classification: Uncertain significance for Hereditary cancer-predisposing syndrome. Last evaluated: 2022-10-29. Review status: criteria provided, single submitter. Criteria: Ambry Variant Classification Scheme 2023. Collection method: clinical testing. Allele origin: germline.
Comment: The p.N49K variant (also known as c.147T>A), located in coding exon 2 of the CTNNA1 gene, results from a T to A substitution at nucleotide position 147. The asparagine at codon 49 is replaced by lysine, an amino acid with similar properties. This amino acid position is conserved. In addition, this alteration is predicted to be tolerated by in silico analysis. Since supporting evidence is limited at this time, the clinical significance of this alteration remains unclear.

NM_001903.5(CTNNA1):c.147T>A (p.Asn49Lys)

Gene: CTNNA1 (catenin alpha 1; plus strand). Cytogenetic location: 5q31.2.
Variant type: single nucleotide variant.
Coding change: c.147T>A on transcript NM_001903.5 (MANE Select); coding-DNA position 147, T replaced by A.
Protein change: p.Asn49Lys; replaces asparagine 49 with lysine.
Molecular consequence: missense variant. On other transcripts: 5 prime UTR variant (1), intron variant (1).
Genome position (GRCh38, 1-based): chr5:138,783,218, T>A. VCF-style: chr5-138783218-T-A. GRCh37 (hg19) VCF-style: chr5-138118907-T-A.
Other names: c.147T>A, p.Asn49Lys (NM_001290307.3, NM_001323982.2, NM_001323983.1 and 3 more transcripts); c.-60T>A (NM_001290310.3); c.-9+1189T>A (NM_001290309.3); short protein forms N49K.
Identifiers: ClinVar variation 1773546 (VCV001773546.5), dbSNP rs2149656210, ClinGen allele CA361477346.